The following is an entry in ClinVar:

ClinVar aggregate classification (germline): Uncertain significance. Review status: criteria provided, multiple submitters, no conflicts (2 of 4 stars). 2 submissions from 2 submitters: Uncertain significance (2). Last evaluated 2023-04-05.

gnomAD v4.1: 2 of 1,614,102 alleles (0.00012%); highest among the groups gnomAD compares: Admixed American, 0.0033%; no homozygotes.

Submissions (2):

Ambry Genetics
Classification: Uncertain significance. Last evaluated: 2023-04-05. Review status: criteria provided, single submitter. Criteria: Ambry Variant Classification Scheme 2023. Collection method: clinical testing. Allele origin: germline.

Labcorp Genetics (formerly Invitae), Labcorp
Classification: Uncertain significance. Last evaluated: 2022-06-24. Review status: criteria provided, single submitter. Criteria: Invitae Variant Classification Sherloc (09022015). Collection method: clinical testing. Allele origin: germline.
Comment: In summary, the available evidence is currently insufficient to determine the role of this variant in disease. Therefore, it has been classified as a Variant of Uncertain Significance. Algorithms developed to predict the effect of missense changes on protein structure and function are either unavailable or do not agree on the potential impact of this missense change (SIFT: "Deleterious"; PolyPhen-2: "Benign"; Align-GVGD: "Class C0"). This variant has not been reported in the literature in individuals affected with PTPRO-related conditions. This variant is not present in population databases (gnomAD no frequency). This sequence change replaces aspartic acid, which is acidic and polar, with histidine, which is basic and polar, at codon 301 of the PTPRO protein (p.Asp301His).

NM_030667.3(PTPRO):c.901G>C (p.Asp301His)

Gene: PTPRO (protein tyrosine phosphatase receptor type O; plus strand). Cytogenetic location: 12p12.3.
Variant type: single nucleotide variant.
Coding change: c.901G>C on transcript NM_030667.3 (MANE Select); coding-DNA position 901, G replaced by C.
Protein change: p.Asp301His; replaces aspartic acid 301 with histidine.
Molecular consequence: missense variant.
Genome position (GRCh38, 1-based): chr12:15,501,859, G>C. VCF-style: chr12-15501859-G-C. GRCh37 (hg19) VCF-style: chr12-15654793-G-C.
Other names: c.901G>C, p.Asp301His (NM_002848.4); c.901G>C (NM_030667.2); short protein forms D301H.
Identifiers: ClinVar variation 1991455 (VCV001991455.6), dbSNP rs748211493, ClinGen allele CA384026042.